The following is an entry in ClinVar:

NM_173628.4(DNAH17):c.901C>G (p.Gln301Glu)

Gene: DNAH17 (dynein axonemal heavy chain 17; minus strand). Cytogenetic location: 17q25.3.
Variant type: single nucleotide variant.
Coding change: c.901C>G on transcript NM_173628.4 (MANE Select); coding-DNA position 901, C replaced by G.
Protein change: p.Gln301Glu; replaces glutamine 301 with glutamic acid.
Molecular consequence: missense variant.
Genome position (GRCh38, 1-based): chr17:78,570,965, G>C on the plus strand (C>G on the coding strand, the complement: DNAH17 is on the minus strand). VCF-style: chr17-78570965-G-C. GRCh37 (hg19) VCF-style: chr17-76567047-G-C.
Other names: short protein forms Q301E.
Identifiers: ClinVar variation 1694865 (VCV001694865.31), dbSNP rs1420234533, ClinGen allele CA401289548.

ClinVar aggregate classification (germline): Uncertain significance (1 of 4 stars; one submission).

Allele frequency attached by ClinVar (database versions not stated): TOPMed below 0.00001.

Submission:

CeGaT Center for Human Genetics Tuebingen
Classification: Uncertain significance. Last evaluated: 2022-06-01. Review status: criteria provided, single submitter. Criteria: CeGaT Center For Human Genetics Tuebingen Variant Classification Criteria Version 2. Collection method: clinical testing. Allele origin: germline. Affected: yes. Observed: 1 variant allele.
Comment: DNAH17: PM2, BP4